The following is an entry in ClinVar:

ClinVar aggregate classification (germline): Conflicting classifications of pathogenicity. Review status: criteria provided, conflicting classifications (1 of 4 stars). 3 submissions from 3 submitters: Uncertain significance (1); Likely benign (2). Last evaluated 2025-11-25.

Conditions:
Generalized epilepsy with febrile seizures plus, type 9 (GEFSP9). Also called: GEFS+, TYPE 9. Identifiers: Orphanet 36387, MedGen C4015395, MONDO:0014517, OMIM 616172.

Allele frequency attached by ClinVar (database versions not stated): gnomAD exomes 0.00001 and 0.00005; gnomAD 0.00002; ExAC 0.00003; TOPMed 0.00003.
gnomAD v4.1: 18 of 1,613,446 alleles (0.0011%); highest among the groups gnomAD compares: Admixed American, 0.023%; no homozygotes.

Submissions (3):

Labcorp Genetics (formerly Invitae), Labcorp
Classification: Likely benign for Generalized epilepsy with febrile seizures plus, type 9. Last evaluated: 2025-11-25. Review status: criteria provided, single submitter. Criteria: Invitae Variant Classification Sherloc (09022015). Collection method: clinical testing. Allele origin: germline.

CeGaT Center for Human Genetics Tuebingen
Classification: Likely benign. Last evaluated: 2025-11-01. Review status: criteria provided, single submitter. Criteria: CeGaT Center For Human Genetics Tuebingen Variant Classification Criteria Version 2. Collection method: clinical testing. Allele origin: germline. Affected: yes. Observed: 1 variant allele.
Comment: STX1B: PP3, BS1

GeneDx
Classification: Uncertain significance. Last evaluated: 2022-01-12. Review status: criteria provided, single submitter. Criteria: GeneDx Variant Classification Process June 2021. Collection method: clinical testing. Allele origin: germline. Affected: yes.
Comment: Has not been previously published as pathogenic or benign to our knowledge; In silico analysis supports a deleterious effect on splicing

NM_052874.5(STX1B):c.108G>A (p.Val36=)

Gene: STX1B (syntaxin 1B; minus strand). Cytogenetic location: 16p11.2.
Variant type: single nucleotide variant.
Coding change: c.108G>A on transcript NM_052874.5 (MANE Select); coding-DNA position 108, G replaced by A.
Protein change: p.Val36=; no amino-acid change (valine 36 retained).
Molecular consequence: synonymous variant.
Genome position (GRCh38, 1-based): chr16:31,001,191, C>T on the plus strand (G>A on the coding strand, the complement: STX1B is on the minus strand). VCF-style: chr16-31001191-C-T. GRCh37 (hg19) VCF-style: chr16-31012512-C-T.
Identifiers: ClinVar variation 542101 (VCV000542101.21), dbSNP rs758008534, ClinGen allele CA8018474.